The following is an entry in ClinVar:

NM_001358.3(DHX15):c.354C>T (p.Phe118=)

Gene: DHX15 (DEAH-box helicase 15; minus strand). Cytogenetic location: 4p15.2.
Variant type: single nucleotide variant.
Coding change: c.354C>T on transcript NM_001358.3 (MANE Select); coding-DNA position 354, C replaced by T.
Protein change: p.Phe118=; no amino-acid change (phenylalanine 118 retained).
Molecular consequence: synonymous variant.
Genome position (GRCh38, 1-based): chr4:24,576,396, G>A on the plus strand (C>T on the coding strand, the complement: DHX15 is on the minus strand). VCF-style: chr4-24576396-G-A. GRCh37 (hg19) VCF-style: chr4-24578019-G-A.
Identifiers: ClinVar variation 2654696 (VCV002654696.24), dbSNP rs150191377, ClinGen allele CA2876087.

ClinVar aggregate classification (germline): Likely benign (1 of 4 stars; one submission).

Allele frequency attached by ClinVar (database versions not stated): TOPMed 0.00171; ESP Exome Variant Server 0.00261; gnomAD 0.00322; gnomAD exomes 0.00360; ExAC 0.00402; 1000 Genomes Project 30x 0.00453; 1000 Genomes Project 0.00519.
gnomAD v4.1: 5,687 of 1,614,192 alleles (0.35%); highest among the groups gnomAD compares: South Asian, 0.84%; 29 homozygotes.

Submission:

CeGaT Center for Human Genetics Tuebingen
Classification: Likely benign. Last evaluated: 2022-08-01. Review status: criteria provided, single submitter. Criteria: CeGaT Center For Human Genetics Tuebingen Variant Classification Criteria Version 2. Collection method: clinical testing. Allele origin: germline. Affected: yes. Observed: 1 variant allele.
Comment: DHX15: BP4, BP7